The following is an entry in ClinVar:

NM_000539.3(RHO):c.190C>T (p.Gln64Ter)

Gene: RHO (rhodopsin; plus strand). Cytogenetic location: 3q22.1.
Variant type: single nucleotide variant.
Coding change: c.190C>T on transcript NM_000539.3 (MANE Select); coding-DNA position 190, C replaced by T.
Protein change: p.Gln64Ter; replaces glutamine 64 with a stop codon.
Molecular consequence: nonsense.
Genome position (GRCh38, 1-based): chr3:129,528,923, C>T. VCF-style: chr3-129528923-C-T. GRCh37 (hg19) VCF-style: chr3-129247766-C-T.
Other names: short protein forms Q64*.
Identifiers: ClinVar variation 966617 (VCV000966617.10), dbSNP rs2084757596, ClinGen allele CA354496130.

ClinVar aggregate classification (germline): Pathogenic. Review status: criteria provided, multiple submitters, no conflicts (2 of 4 stars). 2 submissions from 2 submitters: Pathogenic (2). Last evaluated 2024-07-05.

Conditions:
RHO-related disorder. Also called: RHO-related condition.

Submissions (2):

Labcorp Genetics (formerly Invitae), Labcorp
Classification: Pathogenic. Last evaluated: 2024-07-05. Review status: criteria provided, single submitter. Criteria: Invitae Variant Classification Sherloc (09022015). Collection method: clinical testing. Allele origin: germline.
Comment: This sequence change creates a premature translational stop signal (p.Gln64*) in the RHO gene. It is expected to result in an absent or disrupted protein product. Loss-of-function variants in RHO are known to be pathogenic (PMID: 1303237, 21174529). This variant is not present in population databases (gnomAD no frequency). This premature translational stop signal has been observed in individual(s) with autosomal dominant retinitis pigmentosa (PMID: 8317502). It has also been observed to segregate with disease in related individuals. ClinVar contains an entry for this variant (Variation ID: 966617). For these reasons, this variant has been classified as Pathogenic.

Blueprint Genetics
Classification: Pathogenic for RHO-related disorders. Last evaluated: 2022-06-24. Review status: criteria provided, single submitter. Criteria: ACMG Guidelines, 2015. Collection method: clinical testing. Allele origin: germline. Affected: yes. Observed: 5 variant alleles.

Literature cited by the submitters: PubMed 1303237 (cited by Labcorp Genetics (formerly Invitae), Labcorp); PubMed 21174529 (cited by Labcorp Genetics (formerly Invitae), Labcorp); PubMed 8317502 (cited by Labcorp Genetics (formerly Invitae), Labcorp).